The following is an entry in ClinVar:

NM_001271.4(CHD2):c.4893_4905del (p.His1631fs)

Gene: CHD2 (chromodomain helicase DNA binding protein 2; plus strand). Cytogenetic location: 15q26.1.
Variant type: Deletion.
Coding change: c.4893_4905del on transcript NM_001271.4 (MANE Select); coding-DNA positions 4893 to 4905, 13 bases deleted (CTTCAGTAATGCA).
Protein change: p.His1631fs; shifts the reading frame from histidine 1631.
Molecular consequence: frameshift variant.
Genome position (GRCh38, 1-based): chr15:93,014,896-93,014,908, CTTCAGTAATGCA deleted; deleting any 13 consecutive bases within chr15:93,014,894-93,014,908 gives the same sequence; the c. name uses the placement nearest the transcript's 3' end. VCF-style (leftmost placement, unchanged base first): chr15-93014893-ACACTTCAGTAATG-A. GRCh37 (hg19) VCF-style: chr15-93558123-ACACTTCAGTAATG-A.
Other names: short protein forms H1631fs.
Identifiers: ClinVar variation 817141 (VCV000817141.1), dbSNP rs1596458294, ClinGen allele CA915946171.

ClinVar aggregate classification (germline): Likely pathogenic (1 of 4 stars; one submission).

Submission:

GeneDx
Classification: Likely pathogenic. Last evaluated: 2018-07-13. Review status: criteria provided, single submitter. Criteria: GeneDx Variant Classification (06012015). Collection method: clinical testing. Allele origin: germline. Affected: yes.
Comment: A variant that is likely pathogenic has been identified in the CHD2 gene. The c.4893_4905del13 variant has not been published as a pathogenic variant, nor has it been reported as a benign variant to our knowledge. The c.4893_4905del13 variant causes a frameshift starting with codon Histidine 1631, changes this amino acid to a Glutamine residue and creates a premature Stop codon at position 179 of the new reading frame, denoted p.His1631GlnfsX179. This likely pathogenic variant is predicted to result in protein truncation, as the last 198 amino acids are lost and replaced with 178 incorrect amino acids. The c.4893_4905del13 variant is not observed in large population cohorts (Lek et al., 2016). Therefore, this variant is likely pathogenic; however, the possibility that it is benign cannot be excluded.